The following is an entry in ClinVar:

ClinVar aggregate classification (germline): Uncertain significance (1 of 4 stars; one submission).

Conditions:
Hypertrophic cardiomyopathy 14. Identifiers: MedGen C2750467, MONDO:0013197, OMIM 613251.

Submission:

Labcorp Genetics (formerly Invitae), Labcorp
Classification: Uncertain significance for Hypertrophic cardiomyopathy 14. Last evaluated: 2025-02-18. Review status: criteria provided, single submitter. Criteria: Invitae Variant Classification Sherloc (09022015). Collection method: clinical testing. Allele origin: germline.
Comment: This sequence change replaces alanine, which is neutral and non-polar, with threonine, which is neutral and polar, at codon 1891 of the MYH6 protein (p.Ala1891Thr). This variant is not present in population databases (gnomAD no frequency). This missense change has been observed in individual(s) with clinical features of MYH6-related conditions (PMID: 28991257). Invitae Evidence Modeling of protein sequence and biophysical properties (such as structural, functional, and spatial information, amino acid conservation, physicochemical variation, residue mobility, and thermodynamic stability) indicates that this missense variant is not expected to disrupt MYH6 protein function with a negative predictive value of 80%. In summary, the available evidence is currently insufficient to determine the role of this variant in disease. Therefore, it has been classified as a Variant of Uncertain Significance.

Literature cited by the submitters: PubMed 28991257.

NM_002471.4(MYH6):c.5671G>A (p.Ala1891Thr)

Gene: MYH6 (myosin heavy chain 6; minus strand). Cytogenetic location: 14q11.2.
Variant type: single nucleotide variant.
Coding change: c.5671G>A on transcript NM_002471.4 (MANE Select); coding-DNA position 5671, G replaced by A.
Protein change: p.Ala1891Thr; replaces alanine 1891 with threonine.
Molecular consequence: missense variant.
Genome position (GRCh38, 1-based): chr14:23,382,553, C>T on the plus strand (G>A on the coding strand, the complement: MYH6 is on the minus strand). VCF-style: chr14-23382553-C-T. GRCh37 (hg19) VCF-style: chr14-23851762-C-T.
Other names: short protein forms A1891T.
Identifiers: ClinVar variation 4710120 (VCV004710120.1).